The following is an entry in ClinVar:

ClinVar aggregate classification (germline): Uncertain significance (1 of 4 stars; one submission).

Conditions:
Inborn genetic diseases. Identifiers: MedGen C0950123, MeSH D030342.

Submission:

Ambry Genetics
Classification: Uncertain significance for Inborn genetic diseases. Last evaluated: 2021-04-29. Review status: criteria provided, single submitter. Criteria: Ambry Variant Classification Scheme 2023. Collection method: clinical testing. Allele origin: germline.
Comment: The c.746_747delACinsTA (p.D249V) alteration, located in coding exon 4 of the TUBB gene, results from an in-frame deletion of 2 nucleotides and insertion of 2 nucleotides at position 746 to 747. This results in the substitution of the aspartate residue for a valine residue at codon 249. Based on data from the Genome Aggregation Database (gnomAD), the TUBB c.746_747delACinsTA alteration was not observed, with coverage at this position. This amino acid position is highly conserved in available vertebrate species. The p.D249V alteration is predicted to be deleterious by in silico analysis. Based on insufficient or conflicting evidence, the clinical significance of this alteration remains unclear.

NM_178014.4(TUBB):c.746_747delinsTA (p.Asp249Val)

Gene: TUBB (tubulin beta class I; plus strand). Cytogenetic location: 6p21.33.
Variant type: Indel.
Coding change: c.746_747delinsTA on transcript NM_178014.4 (MANE Select); coding-DNA positions 746 to 747, AC replaced by TA.
Protein change: p.Asp249Val; replaces aspartic acid 249 with valine.
Molecular consequence: missense variant. On other transcripts: intron variant (1).
Genome position (GRCh38, 1-based): chr6:30,723,808-30,723,809, AC replaced by TA. VCF-style: chr6-30723808-AC-TA. GRCh37 (hg19) VCF-style: chr6-30691585-AC-TA.
Other names: c.806_807delinsTA, p.Asp269Val (NM_001293212.2); c.614_615delinsTA, p.Asp205Val (NM_001293214.2); c.530_531delinsTA, p.Asp177Val (NM_001293215.2, NM_001293216.2); c.370-230_370-229delinsTA (NM_001293213.2); short protein forms D177V, D205V, D249V, D269V.
Identifiers: ClinVar variation 3184754 (VCV003184754.1), dbSNP rs2536608390, ClinGen allele CA2695206100.
Genomic context (GRCh38, chr6:30,723,808, plus strand): 5'-TCTCAGCCACCATGAGTGGTGTCACCACCTGCCTCCGTTTCCCTGGCCAGCTCAATGCTG[AC>TA]CTCCGCAAGTTGGCAGTCAACATGGTCCCCTTCCCACGTCTCCATTTCTTTATGCCTGGC-3'
Protein context (NP_821133.1, residues 239-259): CLRFPGQLNA[Asp249Val]LRKLAVNMVP